The following is an entry in ClinVar:

ClinVar aggregate classification (germline): Likely benign. Review status: criteria provided, single submitter (1 of 4 stars). 2 submissions from 2 submitters: Likely benign (1). 1 of the submissions does not count toward it. Last evaluated 2024-11-19.

Conditions:
AGTPBP1-related disorder. Also called: AGTPBP1-related condition.

Allele frequency attached by ClinVar (database versions not stated): 1000 Genomes Project 30x 0.00078; 1000 Genomes Project 0.00100; ExAC 0.00117; gnomAD 0.00166; TOPMed 0.00189; gnomAD exomes 0.00239.
gnomAD v4.1: 3,584 of 1,544,416 alleles (0.23%); highest among the groups gnomAD compares: Non-Finnish European, 0.28%; 6 homozygotes.

Submissions (2):

Blueprint Genetics
Classification: Likely benign. Last evaluated: 2024-11-19. Review status: criteria provided, single submitter. Criteria: ACMG Guidelines, 2015. Collection method: clinical testing. Allele origin: germline.

PreventionGenetics, part of Exact Sciences
Classification: Likely benign for AGTPBP1-related condition. Last evaluated: 2019-08-19. Review status: no assertion criteria provided. Collection method: clinical testing. Allele origin: germline. Not counted in ClinVar's aggregate classification.
Comment: This variant is classified as likely benign based on ACMG/AMP sequence variant interpretation guidelines (Richards et al. 2015 PMID: 25741868, with internal and published modifications).

NM_001330701.2(AGTPBP1):c.927G>A (p.Arg309=)

Gene: AGTPBP1 (ATP/GTP binding carboxypeptidase 1; minus strand). Cytogenetic location: 9q21.33.
Variant type: single nucleotide variant.
Coding change: c.927G>A on transcript NM_001330701.2 (MANE Select); coding-DNA position 927, G replaced by A.
Protein change: p.Arg309=; no amino-acid change (arginine 309 retained).
Molecular consequence: synonymous variant. On other transcripts: intron variant (2).
Genome position (GRCh38, 1-based): chr9:85,655,303, C>T on the plus strand (G>A on the coding strand, the complement: AGTPBP1 is on the minus strand). VCF-style: chr9-85655303-C-T. GRCh37 (hg19) VCF-style: chr9-88270218-C-T.
Other names: c.1083G>A, p.Arg361= (NM_001286715.1); c.1066-103G>A (NM_001286717.1); c.910-103G>A (NM_015239.3).
Identifiers: ClinVar variation 3043439 (VCV003043439.3), dbSNP rs201333759, ClinGen allele CA5106632.